The following is an entry in ClinVar:

NM_002471.4(MYH6):c.2368A>C (p.Met790Leu)

Gene: MYH6 (myosin heavy chain 6; minus strand). Cytogenetic location: 14q11.2.
Variant type: single nucleotide variant.
Coding change: c.2368A>C on transcript NM_002471.4 (MANE Select); coding-DNA position 2368, A replaced by C.
Protein change: p.Met790Leu; replaces methionine 790 with leucine.
Molecular consequence: missense variant.
Genome position (GRCh38, 1-based): chr14:23,396,345, T>G on the plus strand (A>C on the coding strand, the complement: MYH6 is on the minus strand). VCF-style: chr14-23396345-T-G. GRCh37 (hg19) VCF-style: chr14-23865554-T-G.
Other names: short protein forms M790L.
Identifiers: ClinVar variation 1790241 (VCV001790241.2), dbSNP rs764284030, ClinGen allele CA389016254.

ClinVar aggregate classification (germline): Uncertain significance (1 of 4 stars; one submission).

Conditions:
Cardiovascular phenotype. Identifiers: MedGen CN230736.

Submission:

Ambry Genetics
Classification: Uncertain significance for Cardiovascular phenotype. Last evaluated: 2022-02-04. Review status: criteria provided, single submitter. Criteria: Ambry Variant Classification Scheme 2023. Collection method: clinical testing. Allele origin: germline.
Comment: The p.M790L variant (also known as c.2368A>C), located in coding exon 18 of the MYH6 gene, results from an A to C substitution at nucleotide position 2368. The methionine at codon 790 is replaced by leucine, an amino acid with highly similar properties. This amino acid position is conserved. In addition, this alteration is predicted to be tolerated by in silico analysis. Since supporting evidence is limited at this time, the clinical significance of this alteration remains unclear.